The following is an entry in ClinVar:

NM_004655.4(AXIN2):c.1786_1834del (p.Glu596fs)

Gene: AXIN2 (axin 2; minus strand). Cytogenetic location: 17q24.1.
Variant type: Deletion.
Coding change: c.1786_1834del on transcript NM_004655.4 (MANE Select); coding-DNA positions 1786 to 1834, 49 bases deleted.
Protein change: p.Glu596fs; shifts the reading frame from glutamic acid 596.
Molecular consequence: frameshift variant. On other transcripts: intron variant (1).
Genome position (GRCh38, 1-based): chr17:65,536,942-65,536,990, 49 bases deleted; deleting any 49 consecutive bases within chr17:65,536,942-65,536,993 gives the same sequence; the c. name uses the placement nearest the transcript's 3' end. GRCh37 (hg19): chr17:63,533,063-63,533,111.
Other names: c.1712+334_1712+382del (NM_001363813.1); short protein forms E596fs.
Identifiers: ClinVar variation 2019394 (VCV002019394.4), dbSNP rs2509407429, ClinGen allele CA2580094692.

ClinVar aggregate classification (germline): Uncertain significance (1 of 4 stars; one submission).

Conditions:
Oligodontia-cancer predisposition syndrome. Also called: TOOTH AGENESIS-COLORECTAL CANCER SYNDROME. Identifiers: Orphanet 300576, MedGen C1837750, MONDO:0012075, OMIM 608615. Disease mechanism: loss of function.

Submission:

Labcorp Genetics (formerly Invitae), Labcorp
Classification: Uncertain significance for Oligodontia-cancer predisposition syndrome. Last evaluated: 2022-07-24. Review status: criteria provided, single submitter. Criteria: Invitae Variant Classification Sherloc (09022015). Collection method: clinical testing. Allele origin: germline.
Comment: Algorithms developed to predict the effect of sequence changes on RNA splicing suggest that this variant may create or strengthen a splice site. In summary, the available evidence is currently insufficient to determine the role of this variant in disease. Therefore, it has been classified as a Variant of Uncertain Significance. This variant has not been reported in the literature in individuals affected with AXIN2-related conditions. Loss-of-function variants in AXIN2 are known to be pathogenic (PMID: 21416598, 15042511). However, tissue-specific alternative splicing of AXIN2 gene results in functional isoform lacking in-frame exon 7 (also known as exon 6, PMID: 15735151). For this reason the clinical significance of loss of function variants in exon 7 is currently uncertain. This variant is not present in population databases (gnomAD no frequency).

Literature cited by the submitters: PubMed 21416598; PubMed 15042511.